The following is an entry in ClinVar:

NM_002734.5(PRKAR1A):c.166A>G (p.Arg56Gly)

Gene: PRKAR1A (protein kinase cAMP-dependent type I regulatory subunit alpha; plus strand). Cytogenetic location: 17q24.2.
Variant type: single nucleotide variant.
Coding change: c.166A>G on transcript NM_002734.5 (MANE Select); coding-DNA position 166, A replaced by G.
Protein change: p.Arg56Gly; replaces arginine 56 with glycine.
Molecular consequence: missense variant.
Genome position (GRCh38, 1-based): chr17:68,515,565, A>G. VCF-style: chr17-68515565-A-G. GRCh37 (hg19) VCF-style: chr17-66511706-A-G.
Other names: c.166A>G, p.Arg56Gly (NM_212471.3, NM_212472.2, NM_001276289.2 and 4 more transcripts); c.166A>G (NM_002734.3); short protein forms R56G.
Identifiers: ClinVar variation 644500 (VCV000644500.8), dbSNP rs1471017649, ClinGen allele CA400752111.
Genomic context (GRCh38, chr17:68,515,565, plus strand): 5'-GTGCAGTTGTGCACTGCTCGACCTGAGAGACCCATGGCATTCCTCAGGGAATACTTTGAG[A>G]GGTTGGAGAAGGTAAAAATAAATGTGGGGAGATGATGAGGTGATTGTGACAGTTGTTACA-3'
Protein context (NP_002725.1, residues 46-66): PMAFLREYFE[Arg56Gly]LEKEEAKQIQ

ClinVar aggregate classification (germline): Uncertain significance. Review status: criteria provided, multiple submitters, no conflicts (2 of 4 stars). 2 submissions from 2 submitters: Uncertain significance (2). Last evaluated 2026-04-21.

Conditions:
Carney complex, type 1 (CNC1). Also called: CARNEY MYXOMA-ENDOCRINE COMPLEX; CARNEY COMPLEX, TYPE I. Identifiers: Orphanet 1359, MedGen C2607929, MONDO:0008057, OMIM 160980.
Hereditary cancer-predisposing syndrome. Also called: Tumor predisposition; Hereditary Cancer Syndrome; Neoplastic Syndromes, Hereditary; Hereditary neoplastic syndrome. Identifiers: Orphanet 140162, MedGen C0027672, MeSH D009386, MONDO:0015356.

Allele frequency attached by ClinVar (database versions not stated): TOPMed 0.00001; gnomAD 0.00001.
gnomAD v4.1: 2 of 1,612,100 alleles (0.00012%); highest among the groups gnomAD compares: Non-Finnish European, 0.00017%; no homozygotes.

Submissions (2):

Ambry Genetics
Classification: Uncertain significance for Hereditary cancer-predisposing syndrome. Last evaluated: 2026-04-21. Review status: criteria provided, single submitter. Criteria: Ambry Variant Classification Scheme 2023. Collection method: clinical testing. Allele origin: germline.
Comment: The c.166A>G (p.R56G) alteration is located in exon 2 (coding exon 1) of the PRKAR1A gene. This alteration results from a A to G substitution at nucleotide position 166, causing the arginine (R) at amino acid position 56 to be replaced by a glycine (G). Based on data from gnomAD, the G allele has an overall frequency of 0.003% (1/31406) total alleles studied. The highest observed frequency was 0.007% (1/15428) of European (non-Finnish) alleles. Based on insufficient or conflicting evidence, the clinical significance of this alteration remains unclear.

Labcorp Genetics (formerly Invitae), Labcorp
Classification: Uncertain significance for Carney complex, type 1. Last evaluated: 2025-08-13. Review status: criteria provided, single submitter. Criteria: Invitae Variant Classification Sherloc (09022015). Collection method: clinical testing. Allele origin: germline.
Comment: This sequence change replaces arginine, which is basic and polar, with glycine, which is neutral and non-polar, at codon 56 of the PRKAR1A protein (p.Arg56Gly). This variant is present in population databases (no rsID available, gnomAD 0.007%). This variant has not been reported in the literature in individuals affected with PRKAR1A-related conditions. ClinVar contains an entry for this variant (Variation ID: 644500). Invitae Evidence Modeling incorporating data from in vitro experimental studies (internal data) indicates that this missense variant is expected to disrupt PRKAR1A function with a positive predictive value of 95%. In summary, the available evidence is currently insufficient to determine the role of this variant in disease. Therefore, it has been classified as a Variant of Uncertain Significance.